The following is an entry in ClinVar:

ClinVar aggregate classification (germline): Uncertain significance. Review status: criteria provided, multiple submitters, no conflicts (2 of 4 stars). 3 submissions from 3 submitters: Uncertain significance (3). Last evaluated 2025-12-24.

Conditions:
Cardiovascular phenotype. Identifiers: MedGen CN230736.
Dilated cardiomyopathy 1J (CMD1J). Also called: CARDIOMYOPATHY, DILATED, WITH SENSORINEURAL HEARING LOSS, AUTOSOMAL DOMINANT. Identifiers: Orphanet 217622, MedGen C1854368, MONDO:0011541, OMIM 605362.

Allele frequency attached by ClinVar (database versions not stated): TOPMed 0.00001.

Submissions (3):

Labcorp Genetics (formerly Invitae), Labcorp
Classification: Uncertain significance for Dilated cardiomyopathy 1J. Last evaluated: 2025-12-24. Review status: criteria provided, single submitter. Criteria: Invitae Variant Classification Sherloc (09022015). Collection method: clinical testing. Allele origin: germline.
Comment: This sequence change replaces alanine, which is neutral and non-polar, with threonine, which is neutral and polar, at codon 79 of the EYA4 protein (p.Ala79Thr). This variant is not present in population databases (gnomAD no frequency). This variant has not been reported in the literature in individuals affected with EYA4-related conditions. ClinVar contains an entry for this variant (Variation ID: 2171076). An algorithm developed to predict the effect of missense changes on protein structure and function (PolyPhen-2) suggests that this variant is likely to be disruptive. In summary, the available evidence is currently insufficient to determine the role of this variant in disease. Therefore, it has been classified as a Variant of Uncertain Significance.

Ambry Genetics
Classification: Uncertain significance for Cardiovascular phenotype. Last evaluated: 2025-03-03. Review status: criteria provided, single submitter. Criteria: Ambry Variant Classification Scheme 2023. Collection method: clinical testing. Allele origin: germline.

GeneDx
Classification: Uncertain significance. Last evaluated: 2024-11-20. Review status: criteria provided, single submitter. Criteria: GeneDx Variant Classification Process June 2021. Collection method: clinical testing. Allele origin: germline. Affected: yes.
Comment: Not observed at significant frequency in large population cohorts (gnomAD); In silico analysis indicates that this missense variant does not alter protein structure/function; Has not been previously published as pathogenic or benign to our knowledge

NM_004100.5(EYA4):c.235G>A (p.Ala79Thr)

Gene: EYA4 (EYA transcriptional coactivator and phosphatase 4; plus strand). Cytogenetic location: 6q23.2.
Variant type: single nucleotide variant.
Coding change: c.235G>A on transcript NM_004100.5 (MANE Select); coding-DNA position 235, G replaced by A.
Protein change: p.Ala79Thr; replaces alanine 79 with threonine.
Molecular consequence: missense variant. On other transcripts: intron variant (4).
Genome position (GRCh38, 1-based): chr6:133,448,137, G>A. VCF-style: chr6-133448137-G-A. GRCh37 (hg19) VCF-style: chr6-133769275-G-A.
Other names: c.235G>A (NM_004100.4); c.235G>A, p.Ala79Thr (NM_001301013.2, NM_172105.4); c.208+1383G>A (NM_001370458.1, NM_172103.4, NM_001370459.1 and 1 more transcripts); short protein forms A79T.
Identifiers: ClinVar variation 2171076 (VCV002171076.6), dbSNP rs1157930633, ClinGen allele CA365838234.